The following is an entry in ClinVar:

ClinVar aggregate classification (germline): Uncertain significance (1 of 4 stars; one submission).

Submission:

Labcorp Genetics (formerly Invitae), Labcorp
Classification: Uncertain significance. Last evaluated: 2024-07-25. Review status: criteria provided, single submitter. Criteria: Invitae Variant Classification Sherloc (09022015). Collection method: clinical testing. Allele origin: germline.
Comment: This sequence change affects a donor splice site in intron 4 of the IKZF1 gene. It is expected to disrupt RNA splicing. Variants that disrupt the donor or acceptor splice site typically lead to a loss of protein function (PMID: 16199547), however the current clinical and genetic evidence is not sufficient to establish whether loss-of-function variants in IKZF1 cause disease. This variant is not present in population databases (gnomAD no frequency). This variant has not been reported in the literature in individuals affected with IKZF1-related conditions. Algorithms developed to predict the effect of sequence changes on RNA splicing suggest that this variant may disrupt the consensus splice site. In summary, the available evidence is currently insufficient to determine the role of this variant in disease. Therefore, it has been classified as a Variant of Uncertain Significance.

Literature cited by the submitters: PubMed 16199547.

NM_006060.6(IKZF1):c.421+1G>A

Gene: IKZF1 (IKAROS family zinc finger 1; plus strand). Cytogenetic location: 7p12.2.
Variant type: single nucleotide variant.
Coding change: c.421+1G>A on transcript NM_006060.6 (MANE Select); the canonical splice donor site of the intron after coding-DNA position 421, G replaced by A.
Molecular consequence: splice donor variant. On other transcripts: intron variant (9).
Genome position (GRCh38, 1-based): chr7:50,376,794, G>A. VCF-style: chr7-50376794-G-A. GRCh37 (hg19) VCF-style: chr7-50444492-G-A.
Other names: c.161-5746G>A (NM_001220767.2, NM_001220770.2, NM_001291839.2 and 1 more transcripts); c.161-10551G>A (NM_001291841.1, NM_001291842.1); c.161-14935G>A (NM_001291843.1, NM_001291844.1); c.161-23124G>A (NM_001291840.1); c.481+1G>A (NM_001410879.1); c.421+1G>A (NM_001220765.3, NM_001291837.2, NM_001220768.2 and 1 more transcripts).
Identifiers: ClinVar variation 3657836 (VCV003657836.2).